The following is an entry in ClinVar:

ClinVar aggregate classification (germline): Benign/Likely benign. Review status: criteria provided, multiple submitters, no conflicts (2 of 4 stars). 9 submissions from 9 submitters: Benign (6); Likely benign (2). 1 of the submissions does not count toward it. Last evaluated 2026-01-24.

Conditions:
ABCA4-related disorder. Also called: ABCA4-related condition; ABCA4-related disorders. Identifiers: MedGen CN239167.
Retinal dystrophy. Also called: Inherited retinal dystrophy. Identifiers: Orphanet 71862, MedGen C0854723, MeSH D058499, MONDO:0019118, HP:0000556.

Allele frequency attached by ClinVar (database versions not stated): ESP Exome Variant Server 0.00008; gnomAD exomes 0.00096 and 0.00319; gnomAD 0.00185 and 0.00222; ExAC 0.00269; TOPMed 0.00287; 1000 Genomes Project 30x 0.00874; 1000 Genomes Project 0.00899.

Submissions (9):

Labcorp Genetics (formerly Invitae), Labcorp
Classification: Benign. Last evaluated: 2026-01-24. Review status: criteria provided, single submitter. Criteria: Invitae Variant Classification Sherloc (09022015). Collection method: clinical testing. Allele origin: germline.

CeGaT Center for Human Genetics Tuebingen
Classification: Benign. Last evaluated: 2025-11-01. Review status: criteria provided, single submitter. Criteria: CeGaT Center For Human Genetics Tuebingen Variant Classification Criteria Version 2. Collection method: clinical testing. Allele origin: germline. Affected: yes. Observed: 1 variant allele.
Comment: ABCA4: BP4, BS1, BS2

Blueprint Genetics
Classification: Likely benign. Last evaluated: 2024-11-15. Review status: criteria provided, single submitter. Criteria: ACMG Guidelines, 2015. Collection method: clinical testing. Allele origin: germline.

ARUP Laboratories, Molecular Genetics and Genomics, ARUP Laboratories
Classification: Benign. Last evaluated: 2023-11-11. Review status: criteria provided, single submitter. Criteria: ARUP Molecular Germline Variant Investigation Process 2024. Collection method: clinical testing. Allele origin: germline.

Dept Of Ophthalmology, Nagoya University
Classification: Benign for Retinal dystrophy. Last evaluated: 2023-10-01. Review status: criteria provided, single submitter. Criteria: Submitter's publication. Collection method: research. Allele origin: germline. Affected: yes.

Illumina Laboratory Services, Illumina
Classification: Likely benign for ABCA4-Related Disorders. Last evaluated: 2017-04-27. Review status: criteria provided, single submitter. Criteria: ICSL Variant Classification Criteria 13 December 2019. Collection method: clinical testing. Allele origin: germline.
Comment: This variant was observed as part of a predisposition screen in an ostensibly healthy population. A literature search was performed for the gene, cDNA change, and amino acid change (where applicable). No publications were found based on this search. Allele frequency data from public databases allowed determination this variant is unlikely to cause disease. Therefore, this variant is classified as likely benign.

GeneDx
Classification: Benign. Last evaluated: 2016-06-08. Review status: criteria provided, single submitter. Criteria: GeneDx Variant Classification (06012015). Collection method: clinical testing. Allele origin: germline. Affected: yes.
Comment: This variant is considered likely benign or benign based on one or more of the following criteria: it is a conservative change, it occurs at a poorly conserved position in the protein, it is predicted to be benign by multiple in silico algorithms, and/or has population frequency not consistent with disease.

Eurofins Ntd Llc (ga)
Classification: Benign. Last evaluated: 2015-02-25. Review status: criteria provided, single submitter. Criteria: EGL Classification Definitions 2015. Collection method: clinical testing. Allele origin: germline. Observed: 1 variant allele, 1 heterozygote.

Department of Ophthalmology and Visual Sciences Kyoto University
Classification: Likely benign. Review status: no assertion criteria provided. Collection method: not provided. Allele origin: unknown. Not counted in ClinVar's aggregate classification.
ClinVar note: Converted during submission from probable-non-pathogenic to Likely benign.

NM_000350.3(ABCA4):c.3626T>C (p.Met1209Thr)

Genes: ABCA4 (ATP binding cassette subfamily A member 4; minus strand), LOC126805794 (BRD4-independent group 4 enhancer GRCh37_chr1:94502188-94503387; plus strand). Cytogenetic location: 1p22.1.
Variant type: single nucleotide variant.
Coding change: c.3626T>C on transcript NM_000350.3 (MANE Select); coding-DNA position 3626, T replaced by C.
Protein change: p.Met1209Thr; replaces methionine 1209 with threonine.
Molecular consequence: missense variant.
Genome position (GRCh38, 1-based): chr1:94,037,332, A>G on the plus strand (T>C on the coding strand, the complement: ABCA4 is on the minus strand). VCF-style: chr1-94037332-A-G. GRCh37 (hg19) VCF-style: chr1-94502888-A-G.
Other names: c.3404T>C, p.Met1135Thr (NM_001425324.1); short protein forms M1209T, M1135T.
Identifiers: ClinVar variation 143075 (VCV000143075.29), dbSNP rs76258939, ClinGen allele CA201962.
Genomic context (GRCh38, chr1:94,037,332, plus strand): 5'-AGTTCTTGACCAATGCACTCCACCAGCTTTGCCTCTGGAACATGGTGGAGAACTACATCC[A>G]TCAGCTCATTTACATCCCCTAGGACAAGAAAAAAGACTGATGCCAGCTCTGTTTTCCAGA-3'
Protein context (NP_000341.2, residues 1199-1219): QVLDGDVNEL[Met1209Thr]DVVLHHVPEA